The following is an entry in ClinVar:

ClinVar aggregate classification (germline): Uncertain significance. Review status: criteria provided, multiple submitters, no conflicts (2 of 4 stars). 2 submissions from 2 submitters: Uncertain significance (2). Last evaluated 2025-03-10.

Conditions:
Inborn genetic diseases. Identifiers: MedGen C0950123, MeSH D030342.
Atelosteogenesis type I. Also called: GIANT CELL CHONDRODYSPLASIA; Atelosteogenesis Type 1 (FLNB-AO1); SPONDYLOHUMEROFEMORAL HYPOPLASIA. Identifiers: Orphanet 1190, MedGen C0265283, MONDO:0007167, OMIM 108720.
Spondylocarpotarsal synostosis syndrome (SCT). Also called: Spondylocarpotarsal Synostosis Syndrome (FLNB-SCT); SPONDYLOCARPOTARSAL SYNDROME; VERTEBRAL FUSION WITH CARPAL COALITION; Synspondylism congenital; Scoliosis, congenital with unilateral unsegmented bar. Identifiers: Orphanet 3275, MedGen C1848934, MONDO:0010094, OMIM 272460.
FLNB-Related Spectrum Disorders.
Boomerang dysplasia. Identifiers: Orphanet 1263, MedGen C0432201, MONDO:0007208, OMIM 112310.
Atelosteogenesis type III. Also called: Atelosteogenesis Type 3 (FLNB-AO3). Identifiers: Orphanet 56305, MedGen C3668942, MONDO:0007168, OMIM 108721.
Larsen syndrome (LRS). Also called: Bilateral dislocation of the knees, pes cavus, cylindrically shaped fingers and characteristic facies; Larsen syndrome (FLNB-LS). Identifiers: Orphanet 503, MedGen C0175778, MONDO:0007875, OMIM 150250. Disease mechanism: loss of function.

Allele frequency attached by ClinVar (database versions not stated): gnomAD 0.00001; ExAC 0.00002; TOPMed 0.00003; ESP Exome Variant Server 0.00008.
gnomAD v4.1: 35 of 1,614,000 alleles (0.0022%); highest among the groups gnomAD compares: East Asian, 0.0045%; no homozygotes.

Submissions (2):

Ambry Genetics
Classification: Uncertain significance for Inborn genetic diseases. Last evaluated: 2025-03-10. Review status: criteria provided, single submitter. Criteria: Ambry Variant Classification Scheme 2023. Collection method: clinical testing. Allele origin: germline.

Labcorp Genetics (formerly Invitae), Labcorp
Classification: Uncertain significance. Last evaluated: 2024-12-31. Review status: criteria provided, single submitter. Criteria: Invitae Variant Classification Sherloc (09022015). Collection method: clinical testing. Allele origin: germline.
Comment: This sequence change replaces valine, which is neutral and non-polar, with methionine, which is neutral and non-polar, at codon 795 of the FLNB protein (p.Val795Met). This variant is present in population databases (rs145413791, gnomAD 0.006%). This variant has not been reported in the literature in individuals affected with FLNB-related conditions. ClinVar contains an entry for this variant (Variation ID: 1903856). Invitae Evidence Modeling of protein sequence and biophysical properties (such as structural, functional, and spatial information, amino acid conservation, physicochemical variation, residue mobility, and thermodynamic stability) indicates that this missense variant is not expected to disrupt FLNB protein function with a negative predictive value of 95%. In summary, the available evidence is currently insufficient to determine the role of this variant in disease. Therefore, it has been classified as a Variant of Uncertain Significance.

NM_001457.4(FLNB):c.2383G>A (p.Val795Met)

Gene: FLNB (filamin B; plus strand). Cytogenetic location: 3p14.3.
Variant type: single nucleotide variant.
Coding change: c.2383G>A on transcript NM_001457.4 (MANE Select); coding-DNA position 2383, G replaced by A.
Protein change: p.Val795Met; replaces valine 795 with methionine.
Molecular consequence: missense variant.
Genome position (GRCh38, 1-based): chr3:58,110,069, G>A. VCF-style: chr3-58110069-G-A. GRCh37 (hg19) VCF-style: chr3-58095796-G-A.
Other names: c.2383G>A, p.Val795Met (NM_001164317.2, NM_001164318.2, NM_001164319.2); c.2383G>A (NM_001457.3); short protein forms V795M.
Identifiers: ClinVar variation 1903856 (VCV001903856.7), dbSNP rs145413791, ClinGen allele CA2468112.